The following is an entry in ClinVar:

NM_138368.5(AP5B1):c.310del (p.Leu104fs)

Gene: AP5B1 (adaptor related protein complex 5 subunit beta 1; minus strand). Cytogenetic location: 11q13.1.
Variant type: Deletion.
Coding change: c.310del on transcript NM_138368.5 (MANE Select); coding-DNA position 310, one base deleted (C; older notation c.310delC).
Protein change: p.Leu104fs; shifts the reading frame from leucine 104.
Molecular consequence: frameshift variant.
Genome position (GRCh38, 1-based): chr11:65,780,183, G deleted on the plus strand (C on the coding strand, the reverse complement: AP5B1 is on the minus strand); the first of 3 consecutive G bases (chr11:65,780,183-65,780,185); deleting any one gives the same sequence. VCF-style (leftmost placement, unchanged base first): chr11-65780182-AG-A. GRCh37 (hg19) VCF-style: chr11-65547653-AG-A.
Other names: NC_000011.9:g.65547656del; NP_612377.4:p.(Leu104TrpfsTer54); short protein forms L104fs.
Identifiers: ClinVar variation 3777718 (VCV003777718.1).

ClinVar aggregate classification (germline): Likely pathogenic (1 of 4 stars; one submission).

Conditions:
Macular dystrophy with or without extraocular features.

Submission:

Ophthalmic Genetics Group, Institute of Molecular and Clinical Ophthalmology Basel
Classification: Likely pathogenic for Macular dystrophy with or without extraocular features. Last evaluated: 2024-12-17. Review status: criteria provided, single submitter. Criteria: ACMG Guidelines, 2015. Collection method: research. Allele origin: germline. Affected: yes. Observed: 1 variant allele.
Comment: This frameshift deletion introduces a premature termination codon in the last exon, resulting in a truncated AP5B1 protein (removing >10% of the transcript). This variant has a low population frequency based on gnomAD v2.1.1. It was classified as Likely pathogenic based on ACMG criteria: PVS1_strong, PM2_mod.

Literature cited by the submitters: PubMed 40081374.